The following is an entry in ClinVar:

NM_001558.4(IL10RA):c.618dup (p.Pro207fs)

Gene: IL10RA (interleukin 10 receptor subunit alpha; plus strand). Cytogenetic location: 11q23.3.
Variant type: Duplication.
Coding change: c.618dup on transcript NM_001558.4 (MANE Select); coding-DNA position 618, one base duplicated (A; older notation c.618dupA).
Protein change: p.Pro207fs; shifts the reading frame from proline 207.
Molecular consequence: frameshift variant. On other transcripts: non-coding transcript variant (1).
Genome position (GRCh38, 1-based): chr11:117,994,079, A duplicated; the last of 3 consecutive A bases (chr11:117,994,077-117,994,079); duplicating any one gives the same sequence. VCF-style (leftmost placement, unchanged base first): chr11-117994076-G-GA. GRCh37 (hg19) VCF-style: chr11-117864791-G-GA.
Other names: short protein forms P207fs.
Identifiers: ClinVar variation 1435397 (VCV001435397.6), dbSNP rs1187971271, ClinGen allele CA601860367.

ClinVar aggregate classification (germline): Pathogenic (1 of 4 stars; one submission).

Conditions:
Inflammatory bowel disease 28. Also called: Inflammatory bowel disease 28, early onset, autosomal recessive. Identifiers: Orphanet 238569, MedGen C2751053, MONDO:0013153, OMIM 613148.

Submission:

Labcorp Genetics (formerly Invitae), Labcorp
Classification: Pathogenic for Inflammatory bowel disease 28. Last evaluated: 2020-11-25. Review status: criteria provided, single submitter. Criteria: Invitae Variant Classification Sherloc (09022015). Collection method: clinical testing. Allele origin: germline.
Comment: For these reasons, this variant has been classified as Pathogenic. This variant has not been reported in the literature in individuals with IL10RA-related conditions. This variant is not present in population databases (ExAC no frequency). This sequence change creates a premature translational stop signal (p.Pro207Thrfs*8) in the IL10RA gene. It is expected to result in an absent or disrupted protein product. Loss-of-function variants in IL10RA are known to be pathogenic (PMID: 24216686, 25373860, 26822028).

Literature cited by the submitters: PubMed 24216686; PubMed 25373860; PubMed 26822028.